The following is an entry in ClinVar:

ClinVar aggregate classification (germline): Benign. Review status: criteria provided, multiple submitters, no conflicts (2 of 4 stars). 3 submissions from 3 submitters: Benign (2). 1 of the submissions does not count toward it. Last evaluated 2018-12-20.

Conditions:
GIGYF1-related disorder. Also called: GIGYF1-related condition.

Allele frequency attached by ClinVar (database versions not stated): ExAC 0.00221; 1000 Genomes Project 0.00399; gnomAD exomes 0.00091; gnomAD 0.00339 and 0.00352; TOPMed 0.00363; ESP Exome Variant Server 0.00441; 1000 Genomes Project 30x 0.00468.
gnomAD v4.1: 951 of 1,569,914 alleles (0.061%); highest among the groups gnomAD compares: African/African-American, 1.1%; 3 homozygotes.

Submissions (3):

Labcorp Genetics (formerly Invitae), Labcorp
Classification: Benign. Last evaluated: 2018-12-20. Review status: criteria provided, single submitter. Criteria: Invitae Variant Classification Sherloc (09022015). Collection method: clinical testing. Allele origin: germline.

Breakthrough Genomics
Classification: Benign. Review status: criteria provided, single submitter. Criteria: ACMG Guidelines, 2015. Collection method: not provided. Allele origin: germline. Inheritance: Unknown mechanism. Affected: yes.

PreventionGenetics, part of Exact Sciences
Classification: Likely benign for GIGYF1-related condition. Last evaluated: 2023-11-22. Review status: no assertion criteria provided. Collection method: clinical testing. Allele origin: germline. Not counted in ClinVar's aggregate classification.
Comment: This variant is classified as likely benign based on ACMG/AMP sequence variant interpretation guidelines (Richards et al. 2015 PMID: 25741868, with internal and published modifications).

NM_001375765.1(GIGYF1):c.1942G>A (p.Val648Ile)

Gene: GIGYF1 (GRB10 interacting GYF protein 1; minus strand). Cytogenetic location: 7q22.1.
Variant type: single nucleotide variant.
Coding change: c.1942G>A on transcript NM_001375765.1 (MANE Select); coding-DNA position 1942, G replaced by A.
Protein change: p.Val648Ile; replaces valine 648 with isoleucine.
Molecular consequence: missense variant. On other transcripts: non-coding transcript variant (1).
Genome position (GRCh38, 1-based): chr7:100,683,845, C>T on the plus strand (G>A on the coding strand, the complement: GIGYF1 is on the minus strand). VCF-style: chr7-100683845-C-T. GRCh37 (hg19) VCF-style: chr7-100281468-C-T.
Other names: NM_022574.4:c.1942G>A; c.1942G>A, p.Val648Ile (NM_001375759.1, NM_001375760.1, NM_001375761.1 and 6 more transcripts); short protein forms V648I.
Identifiers: ClinVar variation 785227 (VCV000785227.6), dbSNP rs140997486, ClinGen allele CA4388325.